The following is an entry in ClinVar:

NM_018344.6(SLC29A3):c.301-62C>G

Genes: SLC29A3 (solute carrier family 29 member 3; plus strand), LOC105378353 (uncharacterized LOC105378353; minus strand). Cytogenetic location: 10q22.1.
Variant type: single nucleotide variant.
Coding change: c.301-62C>G on transcript NM_018344.6 (MANE Select); 62 bases into the intron before coding-DNA position 301, C replaced by G.
Molecular consequence: intron variant.
Genome position (GRCh38, 1-based): chr10:71,344,147, C>G. VCF-style: chr10-71344147-C-G. GRCh37 (hg19) VCF-style: chr10-73103904-C-G.
Other names: c.67-62C>G (NM_001363518.2); c.301-62C>G (NM_001174098.2).
Identifiers: ClinVar variation 2628213 (VCV002628213.2), dbSNP rs41281300, ClinGen allele CA13159152.

ClinVar aggregate classification (germline): Benign (1 of 4 stars; one submission).

Allele frequency attached by ClinVar (database versions not stated): 1000 Genomes Project 30x 0.18988; TOPMed 0.24217; 1000 Genomes Project 0.18750.
gnomAD v4.1: 372,390 of 1,315,070 alleles (28%); highest among the groups gnomAD compares: Non-Finnish European, 31%; 55,597 homozygotes.

Submission:

Unidad de Genómica Garrahan, Hospital de Pediatría Garrahan
Classification: Benign. Last evaluated: 2023-11-12. Review status: criteria provided, single submitter. Criteria: ACMG Guidelines, 2015. Collection method: clinical testing. Allele origin: germline. Affected: no. Observed: 37 variant alleles.
Comment: This variant is classified as Benign based on local population frequency. This variant was detected in 39% of patients studied by a panel of primary immunodeficiencies. Number of patients: 37. Only high quality variants are reported.